The following is an entry in ClinVar:

NM_000883.4(IMPDH1):c.992G>C (p.Cys331Ser)

Gene: IMPDH1 (inosine monophosphate dehydrogenase 1; minus strand). Cytogenetic location: 7q32.1.
Variant type: single nucleotide variant.
Coding change: c.992G>C on transcript NM_000883.4 (MANE Select); coding-DNA position 992, G replaced by C.
Protein change: p.Cys331Ser; replaces cysteine 331 with serine.
Molecular consequence: missense variant.
Genome position (GRCh38, 1-based): chr7:128,398,496, C>G on the plus strand (G>C on the coding strand, the complement: IMPDH1 is on the minus strand). VCF-style: chr7-128398496-C-G. GRCh37 (hg19) VCF-style: chr7-128038550-C-G.
Other names: c.962G>C, p.Cys321Ser (NM_001102605.2); c.737G>C, p.Cys246Ser (NM_001142573.2); c.722G>C, p.Cys241Ser (NM_001142574.2); c.662G>C, p.Cys221Ser (NM_001142575.2); c.893G>C, p.Cys298Ser (NM_001142576.2); c.785G>C, p.Cys262Ser (NM_001304521.2); c.884G>C, p.Cys295Ser (NM_183243.3); short protein forms C298S, C331S, C241S, C262S, C295S, C221S, C246S, C321S.
Identifiers: ClinVar variation 1488917 (VCV001488917.8), dbSNP rs2116638888, ClinGen allele CA369168699.

ClinVar aggregate classification (germline): Uncertain significance (1 of 4 stars; one submission).

Submission:

Labcorp Genetics (formerly Invitae), Labcorp
Classification: Uncertain significance. Last evaluated: 2022-06-20. Review status: criteria provided, single submitter. Criteria: Invitae Variant Classification Sherloc (09022015). Collection method: clinical testing. Allele origin: germline.
Comment: Algorithms developed to predict the effect of missense changes on protein structure and function are either unavailable or do not agree on the potential impact of this missense change (SIFT: "Deleterious"; PolyPhen-2: "Possibly Damaging"; Align-GVGD: "Class C0"). In summary, the available evidence is currently insufficient to determine the role of this variant in disease. Therefore, it has been classified as a Variant of Uncertain Significance. This variant has not been reported in the literature in individuals affected with IMPDH1-related conditions. This variant is not present in population databases (gnomAD no frequency). This sequence change replaces cysteine, which is neutral and slightly polar, with serine, which is neutral and polar, at codon 331 of the IMPDH1 protein (p.Cys331Ser).